The following is an entry in ClinVar:

NM_000812.4(GABRB1):c.922A>G (p.Ile308Val)

Gene: GABRB1 (gamma-aminobutyric acid type A receptor subunit beta1; plus strand). Cytogenetic location: 4p12.
Variant type: single nucleotide variant.
Coding change: c.922A>G on transcript NM_000812.4 (MANE Select); coding-DNA position 922, A replaced by G.
Protein change: p.Ile308Val; replaces isoleucine 308 with valine.
Molecular consequence: missense variant.
Genome position (GRCh38, 1-based): chr4:47,406,768, A>G. VCF-style: chr4-47406768-A-G. GRCh37 (hg19) VCF-style: chr4-47408785-A-G.
Other names: short protein forms I308V.
Identifiers: ClinVar variation 3898796 (VCV003898796.1).

ClinVar aggregate classification (germline): Uncertain significance (1 of 4 stars; one submission).

Submission:

GeneDx
Classification: Uncertain significance. Last evaluated: 2024-11-09. Review status: criteria provided, single submitter. Criteria: GeneDx Variant Classification Process June 2021. Collection method: clinical testing. Allele origin: germline. Affected: yes.
Comment: Not observed at significant frequency in large population cohorts (gnomAD); In silico analysis indicates that this missense variant does not alter protein structure/function; Has not been previously published as pathogenic or benign to our knowledge